The following is an entry in ClinVar:

NM_000143.4(FH):c.1250T>G (p.Leu417Ter)

Gene: FH (fumarate hydratase; minus strand). Cytogenetic location: 1q43.
Variant type: single nucleotide variant.
Coding change: c.1250T>G on transcript NM_000143.4 (MANE Select); coding-DNA position 1250, T replaced by G.
Protein change: p.Leu417Ter; replaces leucine 417 with a stop codon.
Molecular consequence: nonsense.
Genome position (GRCh38, 1-based): chr1:241,500,577, A>C on the plus strand (T>G on the coding strand, the complement: FH is on the minus strand). VCF-style: chr1-241500577-A-C. GRCh37 (hg19) VCF-style: chr1-241663877-A-C.
Other names: short protein forms L417*.
Identifiers: ClinVar variation 432199 (VCV000432199.2), dbSNP rs1553340709, ClinGen allele CA345436902.
Genomic context (GRCh38, chr1:241,500,577, plus strand): 5'-CCCACCACGCAGTTTTCTGTAAAGGAAACTGAAGCATCCCCCAGCAGCCTGGCTGAGTGT[A>C]ACACATTTTTAATCTTTGAGTGAGTGAGAGAGAGAGAGAGAGAGAGAGAGAGAGAGAGAG-3'

ClinVar aggregate classification (germline): Likely pathogenic (1 of 4 stars; one submission).

Submission:

GeneDx
Classification: Likely pathogenic. Last evaluated: 2016-06-16. Review status: criteria provided, single submitter. Criteria: GeneDx Variant Classification (06012015). Collection method: clinical testing. Allele origin: germline. Affected: yes.
Comment: The L417X nonsense variant in the FH gene is predicted to cause loss of normal protein function either through protein truncation or nonsense-mediated mRNA decay. It was not observed in approximately 6,500 individuals of European and African American ancestry in the NHLBI Exome Sequencing Project, indicating it is not a common benign variant in these populations. Although this nonsense variant has not been reported previously to our knowledge, this variant is likely pathogenic; however, the possibility that it is benign cannot be excluded.